The following is an entry in ClinVar:

NM_006208.3(ENPP1):c.373G>A (p.Ala125Thr)

Gene: ENPP1 (ectonucleotide pyrophosphatase/phosphodiesterase 1; plus strand). Cytogenetic location: 6q23.2.
Variant type: single nucleotide variant.
Coding change: c.373G>A on transcript NM_006208.3 (MANE Select); coding-DNA position 373, G replaced by A.
Protein change: p.Ala125Thr; replaces alanine 125 with threonine.
Molecular consequence: missense variant.
Genome position (GRCh38, 1-based): chr6:131,850,049, G>A. VCF-style: chr6-131850049-G-A. GRCh37 (hg19) VCF-style: chr6-132171189-G-A.
Other names: short protein forms A125T.
Identifiers: ClinVar variation 2421375 (VCV002421375.6), dbSNP rs201280142, ClinGen allele CA4001880.

ClinVar aggregate classification (germline): Uncertain significance (1 of 4 stars; one submission).

Allele frequency attached by ClinVar (database versions not stated): gnomAD exomes 0.00001; ExAC 0.00002; TOPMed 0.00004; gnomAD 0.00005.
gnomAD v4.1: 17 of 1,613,938 alleles (0.0011%); highest among the groups gnomAD compares: African/African-American, 0.015%; no homozygotes.

Submission:

Labcorp Genetics (formerly Invitae), Labcorp
Classification: Uncertain significance. Last evaluated: 2022-09-06. Review status: criteria provided, single submitter. Criteria: Invitae Variant Classification Sherloc (09022015). Collection method: clinical testing. Allele origin: germline.
Comment: This sequence change replaces alanine, which is neutral and non-polar, with threonine, which is neutral and polar, at codon 125 of the ENPP1 protein (p.Ala125Thr). This variant is present in population databases (rs201280142, gnomAD 0.02%). This variant has not been reported in the literature in individuals affected with ENPP1-related conditions. Algorithms developed to predict the effect of missense changes on protein structure and function are either unavailable or do not agree on the potential impact of this missense change (SIFT: "Tolerated"; PolyPhen-2: "Possibly Damaging"; Align-GVGD: "Class C0"). In summary, the available evidence is currently insufficient to determine the role of this variant in disease. Therefore, it has been classified as a Variant of Uncertain Significance.